The following is an entry in ClinVar:

ClinVar aggregate classification (germline): Likely benign (1 of 4 stars; one submission).

Allele frequency attached by ClinVar (database versions not stated): gnomAD exomes 0.00035; gnomAD 0.00356 and 0.00373; TOPMed 0.00406; 1000 Genomes Project 30x 0.00468; 1000 Genomes Project 0.00479.
gnomAD v4.1: 1,040 of 1,472,224 alleles (0.071%); highest among the groups gnomAD compares: African/African-American, 1.2%; 6 homozygotes.

Submission:

GeneDx
Classification: Likely benign. Last evaluated: 2022-02-18. Review status: criteria provided, single submitter. Criteria: GeneDx Variant Classification Process June 2021. Collection method: clinical testing. Allele origin: germline. Affected: yes.
Comment: See Variant Classification Assertion Criteria.

NM_001114748.2(TMEM240):c.*83C>T

Gene: TMEM240 (transmembrane protein 240; minus strand). Cytogenetic location: 1p36.33.
Variant type: single nucleotide variant.
Coding change: c.*83C>T on transcript NM_001114748.2 (MANE Select); 83 bases downstream of the stop codon, C replaced by T.
Molecular consequence: 3 prime UTR variant.
Genome position (GRCh38, 1-based): chr1:1,535,276, G>A on the plus strand (C>T on the coding strand, the complement: TMEM240 is on the minus strand). VCF-style: chr1-1535276-G-A. GRCh37 (hg19) VCF-style: chr1-1470656-G-A.
Identifiers: ClinVar variation 1702646 (VCV001702646.2), dbSNP rs574856684, ClinGen allele CA16796494.
Genomic context (GRCh38, chr1:1,535,276, plus strand): 5'-GGACTCTCCCGGCCGGCCACAGCCCCGGACAACCTGGGCCCAGGGCTGCTGTCCAGTCCC[G>A]CCGGCCCGGGCGTCCACGAGGTCCCTTTTACATCTGTACAGCAGCCGGTTGGCTCGGTGG-3'